The following is an entry in ClinVar:

ClinVar aggregate classification (germline): Pathogenic (1 of 4 stars; one submission).

Submission:

Labcorp Genetics (formerly Invitae), Labcorp
Classification: Pathogenic. Last evaluated: 2023-09-14. Review status: criteria provided, single submitter. Criteria: Invitae Variant Classification Sherloc (09022015). Collection method: clinical testing. Allele origin: germline.
Comment: For these reasons, this variant has been classified as Pathogenic. This premature translational stop signal has been observed in individual(s) with congenital adrenal hyperplasia (PMID: 27855232). This variant is not present in population databases (gnomAD no frequency). This sequence change creates a premature translational stop signal (p.Trp286*) in the CYP11A1 gene. It is expected to result in an absent or disrupted protein product. Loss-of-function variants in CYP11A1 are known to be pathogenic (PMID: 15507506, 22435390, 27855232, 229968487).

Literature cited by the submitters: PubMed 27855232; PubMed 15507506; PubMed 22435390; PubMed 229968487.

NM_000781.3(CYP11A1):c.857G>A (p.Trp286Ter)

Gene: CYP11A1 (cytochrome P450 family 11 subfamily A member 1; minus strand). Cytogenetic location: 15q24.1.
Variant type: single nucleotide variant.
Coding change: c.857G>A on transcript NM_000781.3 (MANE Select); coding-DNA position 857, G replaced by A.
Protein change: p.Trp286Ter; replaces tryptophan 286 with a stop codon.
Molecular consequence: nonsense.
Genome position (GRCh38, 1-based): chr15:74,343,110, C>T on the plus strand (G>A on the coding strand, the complement: CYP11A1 is on the minus strand). VCF-style: chr15-74343110-C-T. GRCh37 (hg19) VCF-style: chr15-74635451-C-T.
Other names: c.383G>A, p.Trp128Ter (NM_001099773.2); short protein forms W286*, W128*.
Identifiers: ClinVar variation 3721829 (VCV003721829.1).